The following is an entry in ClinVar:

NM_000135.4(FANCA):c.3638dup (p.Pro1213_Glu1214insTer)

Gene: FANCA (FA complementation group A; minus strand). Cytogenetic location: 16q24.3.
Variant type: Duplication.
Coding change: c.3638dup on transcript NM_000135.4 (MANE Select); coding-DNA position 3638, one base duplicated (C; older notation c.3638dupC).
Protein change: p.Pro1213_Glu1214insTer.
Molecular consequence: frameshift variant.
Genome position (GRCh38, 1-based): chr16:89,742,927, G duplicated on the plus strand (C on the coding strand, the reverse complement: FANCA is on the minus strand); the first of 4 consecutive G bases (chr16:89,742,927-89,742,930); duplicating any one gives the same sequence. VCF-style (leftmost placement, unchanged base first): chr16-89742926-A-AG. GRCh37 (hg19) VCF-style: chr16-89809334-A-AG.
Other names: c.3638dup, p.Pro1213_Glu1214insTer (NM_001286167.3); c.3638dup (NM_000135.3).
Identifiers: ClinVar variation 1074413 (VCV001074413.8), dbSNP rs1567598488, ClinGen allele CA2499223819.

ClinVar aggregate classification (germline): Pathogenic/Likely pathogenic. Review status: criteria provided, multiple submitters, no conflicts (2 of 4 stars). 2 submissions from 2 submitters: Pathogenic (1); Likely pathogenic (1). Last evaluated 2025-07-02.

Conditions:
Fanconi anemia (FA). Also called: Fanconi's anemia. Identifiers: Orphanet 84, MedGen C0015625, MeSH D005199, MONDO:0019391.

Submissions (2):

Natera, Inc.
Classification: Likely pathogenic for Fanconi anemia. Last evaluated: 2025-07-02. Review status: criteria provided, single submitter. Criteria: Natera Variant Classification Schema (03/2026). Collection method: clinical testing. Allele origin: germline.
Comment: The c.3638dup variant in FANCA is a frameshift variant predicted to shift the reading frame and introduce a stop codon. This variant is expected to result in nonsense mediated decay, truncation, or a dysfunctional protein product. This variant is rare in the general population with a frequency below the threshold expected for the associated phenotype(s). Given the available evidence, this variant is classified as Likely Pathogenic.

Labcorp Genetics (formerly Invitae), Labcorp
Classification: Pathogenic for Fanconi anemia. Last evaluated: 2020-10-25. Review status: criteria provided, single submitter. Criteria: Invitae Variant Classification Sherloc (09022015). Collection method: clinical testing. Allele origin: germline.
Comment: This sequence change creates a premature translational stop signal (p.Glu1214*) in the FANCA gene. It is expected to result in an absent or disrupted protein product. Loss-of-function variants in FANCA are known to be pathogenic (PMID: 19367192). For these reasons, this variant has been classified as Pathogenic. This variant has not been reported in the literature in individuals with FANCA-related conditions. This variant is not present in population databases (ExAC no frequency).

Literature cited by the submitters: PubMed 19367192 (cited by Labcorp Genetics (formerly Invitae), Labcorp).